The following is an entry in ClinVar:

NM_000222.3(KIT):c.2362-5A>C

Gene: KIT (KIT proto-oncogene, receptor tyrosine kinase; plus strand). Cytogenetic location: 4q12.
Variant type: single nucleotide variant.
Coding change: c.2362-5A>C on transcript NM_000222.3 (MANE Select); 5 bases into the intron before coding-DNA position 2362, A replaced by C.
Molecular consequence: intron variant.
Genome position (GRCh38, 1-based): chr4:54,733,065, A>C. VCF-style: chr4-54733065-A-C. GRCh37 (hg19) VCF-style: chr4-55599231-A-C.
Other names: c.2365-5A>C (NM_001385284.1); c.2362-5A>C (NM_001385290.1); c.2353-5A>C (NM_001385288.1); c.2350-5A>C (NM_001385292.1, NM_001093772.2); c.2359-5A>C (NM_001385285.1); c.2347-5A>C (NM_001385286.1).
Identifiers: ClinVar variation 415812 (VCV000415812.13), dbSNP rs1060504660, ClinGen allele CA16611609.

ClinVar aggregate classification (germline): Conflicting classifications of pathogenicity. Review status: criteria provided, conflicting classifications (1 of 4 stars). 2 submissions from 2 submitters: Uncertain significance (1); Likely benign (1). Last evaluated 2026-09-02.

Conditions:
Hereditary cancer-predisposing syndrome. Also called: Neoplastic Syndromes, Hereditary; Hereditary Cancer Syndrome; Tumor predisposition; Hereditary neoplastic syndrome. Identifiers: Orphanet 140162, MedGen C0027672, MeSH D009386, MONDO:0015356.
Gastrointestinal stromal tumor. Also called: Gastrointestinal stromal tumor, somatic; Gastrointestinal stroma tumor. Identifiers: Orphanet 44890, MedGen C0238198, MeSH D046152, MONDO:0011719, OMIM 606764, HP:0100723.

Submissions (2):

Ambry Genetics
Classification: Uncertain significance for Hereditary cancer-predisposing syndrome. Last evaluated: 2026-09-02. Review status: criteria provided, single submitter. Criteria: Ambry Variant Classification Scheme 2023. Collection method: clinical testing. Allele origin: germline.
Comment: The c.2362-5A>C intronic variant results from an A to C substitution 5 nucleotides upstream from coding exon 17 in the KIT gene. This nucleotide position is well conserved in available vertebrate species. In silico splice site analysis predicts that this alteration will not have any significant effect on splicing. Based on the available evidence, the clinical significance of this variant remains unclear.

Labcorp Genetics (formerly Invitae), Labcorp
Classification: Likely benign for Gastrointestinal stromal tumor. Last evaluated: 2025-07-14. Review status: criteria provided, single submitter. Criteria: Invitae Variant Classification Sherloc (09022015). Collection method: clinical testing. Allele origin: germline.